The following is an entry in ClinVar:

ClinVar aggregate classification (germline): Uncertain significance. Review status: criteria provided, multiple submitters, no conflicts (2 of 4 stars). 2 submissions from 2 submitters: Uncertain significance (2). Last evaluated 2025-05-14.

Conditions:
Early-infantile DEE. Also called: Early infantile epileptic encephalopathy; Early infantile epileptic encephalopathy with suppression bursts; Ohtahara syndrome. Identifiers: Orphanet 1934, MedGen C0393706, MONDO:0800491.

Submissions (2):

GeneDx
Classification: Uncertain significance. Last evaluated: 2025-05-14. Review status: criteria provided, single submitter. Criteria: GeneDx Variant Classification Process June 2021. Collection method: clinical testing. Allele origin: germline. Affected: yes.
Comment: Not observed at significant frequency in large population cohorts (gnomAD); In silico analysis supports that this missense variant has a deleterious effect on protein structure/function; Has not been previously published as pathogenic or benign to our knowledge

Labcorp Genetics (formerly Invitae), Labcorp
Classification: Uncertain significance for Early-infantile DEE. Last evaluated: 2022-11-16. Review status: criteria provided, single submitter. Criteria: Invitae Variant Classification Sherloc (09022015). Collection method: clinical testing. Allele origin: germline.
Comment: This sequence change replaces serine, which is neutral and polar, with leucine, which is neutral and non-polar, at codon 2077 of the SPTAN1 protein (p.Ser2077Leu). This variant is not present in population databases (gnomAD no frequency). This variant has not been reported in the literature in individuals affected with SPTAN1-related conditions. Algorithms developed to predict the effect of missense changes on protein structure and function (SIFT, PolyPhen-2, Align-GVGD) all suggest that this variant is likely to be disruptive. In summary, the available evidence is currently insufficient to determine the role of this variant in disease. Therefore, it has been classified as a Variant of Uncertain Significance.

NM_001130438.3(SPTAN1):c.6230C>T (p.Ser2077Leu)

Gene: SPTAN1 (spectrin alpha, non-erythrocytic 1; plus strand). Cytogenetic location: 9q34.11.
Variant type: single nucleotide variant.
Coding change: c.6230C>T on transcript NM_001130438.3 (MANE Select); coding-DNA position 6230, C replaced by T.
Protein change: p.Ser2077Leu; replaces serine 2077 with leucine.
Molecular consequence: missense variant.
Genome position (GRCh38, 1-based): chr9:128,625,929, C>T. VCF-style: chr9-128625929-C-T. GRCh37 (hg19) VCF-style: chr9-131388208-C-T.
Other names: c.6155C>T, p.Ser2052Leu (NM_001195532.2); c.6230C>T, p.Ser2077Leu (NM_001363759.2, NM_001375310.1, NM_001375311.2 and 1 more transcripts); c.6170C>T, p.Ser2057Leu (NM_001363765.2, NM_001375314.2); c.6266C>T, p.Ser2089Leu (NM_001375312.2, NM_001375318.1); c.6215C>T, p.Ser2072Leu (NM_003127.4); c.6230C>T (NM_001130438.2); short protein forms S2057L, S2089L, S2072L, S2077L, S2052L.
Identifiers: ClinVar variation 2814758 (VCV002814758.4), dbSNP rs2542191405, ClinGen allele CA375087184.